The following is an entry in ClinVar:

ClinVar aggregate classification (germline): Benign. Review status: criteria provided, multiple submitters, no conflicts (2 of 4 stars). 3 submissions from 3 submitters: Benign (2). 1 of the submissions does not count toward it. Last evaluated 2026-01-29.

Conditions:
FARSB-related disorder. Also called: FARSB-related condition.

Allele frequency attached by ClinVar (database versions not stated): ESP Exome Variant Server 0.00162; TOPMed 0.00227; 1000 Genomes Project 0.00160; 1000 Genomes Project 30x 0.00203.
gnomAD v4.1: 531 of 1,484,046 alleles (0.036%); highest among the groups gnomAD compares: African/African-American, 0.63%; 1 homozygote.

Submissions (3):

Labcorp Genetics (formerly Invitae), Labcorp
Classification: Benign. Last evaluated: 2026-01-29. Review status: criteria provided, single submitter. Criteria: Invitae Variant Classification Sherloc (09022015). Collection method: clinical testing. Allele origin: germline.

Breakthrough Genomics
Classification: Benign. Review status: criteria provided, single submitter. Criteria: ACMG Guidelines, 2015. Collection method: not provided. Allele origin: germline. Inheritance: Autosomal recessive inheritance. Affected: yes.

PreventionGenetics, part of Exact Sciences
Classification: Likely benign for FARSB-related condition. Last evaluated: 2019-12-19. Review status: no assertion criteria provided. Collection method: clinical testing. Allele origin: germline. Not counted in ClinVar's aggregate classification.
Comment: This variant is classified as likely benign based on ACMG/AMP sequence variant interpretation guidelines (Richards et al. 2015 PMID: 25741868, with internal and published modifications).

NM_005687.5(FARSB):c.277G>C (p.Ala93Pro)

Gene: FARSB (phenylalanyl-tRNA synthetase subunit beta; minus strand). Cytogenetic location: 2q36.1.
Variant type: single nucleotide variant.
Coding change: c.277G>C on transcript NM_005687.5 (MANE Select); coding-DNA position 277, G replaced by C.
Protein change: p.Ala93Pro; replaces alanine 93 with proline.
Molecular consequence: missense variant. On other transcripts: non-coding transcript variant (1).
Genome position (GRCh38, 1-based): chr2:222,640,924, C>G on the plus strand (G>C on the coding strand, the complement: FARSB is on the minus strand). VCF-style: chr2-222640924-C-G. GRCh37 (hg19) VCF-style: chr2-223505643-C-G.
Other names: c.277G>C (NM_005687.4); short protein forms A93P.
Identifiers: ClinVar variation 1166427 (VCV001166427.11), dbSNP rs147487059, ClinGen allele CA2136706.
Genomic context (GRCh38, chr2:222,640,924, plus strand): 5'-CTTCTGTGATAATCAATTTCTGGATTTTTCCATCAGGCATTACCCGTTTATACACTGGAG[C>G]CTTTATCCTAAAATAATATTTAAATGAATTTACTCATAATTAATCAAGACATTATATAAA-3'
Protein context (NP_005678.3, residues 83-103): GLQVFKERIK[Ala93Pro]PVYKRVMPDG